The following is an entry in ClinVar:

NM_006204.4(PDE6C):c.442C>T (p.His148Tyr)

Gene: PDE6C (phosphodiesterase 6C; plus strand). Cytogenetic location: 10q23.33.
Variant type: single nucleotide variant.
Coding change: c.442C>T on transcript NM_006204.4 (MANE Select); coding-DNA position 442, C replaced by T.
Protein change: p.His148Tyr; replaces histidine 148 with tyrosine.
Molecular consequence: missense variant.
Genome position (GRCh38, 1-based): chr10:93,613,167, C>T. VCF-style: chr10-93613167-C-T. GRCh37 (hg19) VCF-style: chr10-95372924-C-T.
Other names: short protein forms H148Y.
Identifiers: ClinVar variation 934921 (VCV000934921.9), dbSNP rs2058400858, ClinGen allele CA377622875.

ClinVar aggregate classification (germline): Uncertain significance (1 of 4 stars; one submission).

Allele frequency attached by ClinVar (database versions not stated): gnomAD exomes below 0.00001.
gnomAD v4.1: 1 of 1,613,906 alleles (0.000062%); highest among the groups gnomAD compares: Non-Finnish European, 0.000085%; no homozygotes.

Submission:

Labcorp Genetics (formerly Invitae), Labcorp
Classification: Uncertain significance. Last evaluated: 2022-10-18. Review status: criteria provided, single submitter. Criteria: Invitae Variant Classification Sherloc (09022015). Collection method: clinical testing. Allele origin: germline.
Comment: This sequence change replaces histidine, which is basic and polar, with tyrosine, which is neutral and polar, at codon 148 of the PDE6C protein (p.His148Tyr). This variant is not present in population databases (gnomAD no frequency). This variant has not been reported in the literature in individuals affected with PDE6C-related conditions. ClinVar contains an entry for this variant (Variation ID: 934921). Advanced modeling of protein sequence and biophysical properties (such as structural, functional, and spatial information, amino acid conservation, physicochemical variation, residue mobility, and thermodynamic stability) performed at Invitae indicates that this missense variant is not expected to disrupt PDE6C protein function. In summary, the available evidence is currently insufficient to determine the role of this variant in disease. Therefore, it has been classified as a Variant of Uncertain Significance.